The following is an entry in ClinVar:

ClinVar aggregate classification (germline): Pathogenic (1 of 4 stars; one submission).

Conditions:
Carney complex, type 1 (CNC1). Also called: CARNEY COMPLEX, TYPE I; CARNEY MYXOMA-ENDOCRINE COMPLEX. Identifiers: Orphanet 1359, MedGen C2607929, MONDO:0008057, OMIM 160980.

Submission:

Labcorp Genetics (formerly Invitae), Labcorp
Classification: Pathogenic for Carney complex, type 1. Last evaluated: 2020-09-24. Review status: criteria provided, single submitter. Criteria: Invitae Variant Classification Sherloc (09022015). Collection method: clinical testing. Allele origin: germline.
Comment: A gross deletion of the genomic region encompassing the full coding sequence of the PRKAR1A gene has been identified. The boundaries of this event are unknown as the deletion extends beyond the assayed region for this gene and therefore may encompass additional genes. A similar whole gene deletion of PRKAR1A has been observed to segregate with disease in a family affected with Carney complex (Invitae). Additionally, whole-gene deletions of PRKAR1A and larger copy number events that include this gene have been reported in individuals affected with Carney complex (PMID: 24170103). Loss-of-function variants in PRKAR1A are known to be pathogenic (PMID: 11115848, 19293268). For these reasons, this variant has been classified as Pathogenic.

Literature cited by the submitters: PubMed 24170103; PubMed 11115848; PubMed 19293268.

NC_000017.10:g.(?_66508520)_(66533875_?)del

Genes: FAM20A (FAM20A golgi associated secretory pathway pseudokinase; minus strand), PRKAR1A (protein kinase cAMP-dependent type I regulatory subunit alpha; plus strand). Cytogenetic location: 17q24.2.
Variant type: Deletion.
Identifiers: ClinVar variation 1076354 (VCV001076354.1).